The following is an entry in ClinVar:

NM_181861.2(APAF1):c.2329G>A (p.Glu777Lys)

Gene: APAF1 (apoptotic peptidase activating factor 1; plus strand). Cytogenetic location: 12q23.1.
Variant type: single nucleotide variant.
Coding change: c.2329G>A on transcript NM_181861.2 (MANE Select); coding-DNA position 2329, G replaced by A.
Protein change: p.Glu777Lys; replaces glutamic acid 777 with lysine.
Molecular consequence: missense variant. On other transcripts: intron variant (1).
Genome position (GRCh38, 1-based): chr12:98,699,432, G>A. VCF-style: chr12-98699432-G-A. GRCh37 (hg19) VCF-style: chr12-99093210-G-A.
Other names: c.2296G>A, p.Glu766Lys (NM_001160.3, NM_013229.3); c.2329G>A, p.Glu777Lys (NM_181868.2); c.956-32988G>A (NM_181869.2); c.2329G>A (NM_181861.1); short protein forms E766K, E777K.
Identifiers: ClinVar variation 3024831 (VCV003024831.23), dbSNP rs138526583, ClinGen allele CA6734233.
Genomic context (GRCh38, chr12:98,699,432, plus strand): 5'-AACAAACTTTTTCTTTTTTATTACTTTAATTCAAAGCTTTGGGATGCGACATCAGCAAAT[G>A]AGAGGAAAAGCATTAATGTGAAACAGTTCTTCCTAAATTTGGAGGACCCTCAAGAGGATA-3'
Protein context (NP_863651.1, residues 767-787): LKLWDATSAN[Glu777Lys]RKSINVKQFF

ClinVar aggregate classification (germline): Likely benign. Review status: criteria provided, single submitter (1 of 4 stars). 2 submissions from 2 submitters: Likely benign (1). 1 of the submissions does not count toward it. Last evaluated 2026-08-01.

Conditions:
APAF1-related disorder. Also called: APAF1-related condition.

Allele frequency attached by ClinVar (database versions not stated): 1000 Genomes Project 30x 0.00141; 1000 Genomes Project 0.00160; TOPMed 0.00301; gnomAD 0.00310; ESP Exome Variant Server 0.00338; ExAC 0.00367; gnomAD exomes 0.00434.
gnomAD v4.1: 6,796 of 1,614,050 alleles (0.42%); highest among the groups gnomAD compares: Non-Finnish European, 0.51%; 16 homozygotes.

Submissions (2):

CeGaT Center for Human Genetics Tuebingen
Classification: Likely benign. Last evaluated: 2026-08-01. Review status: criteria provided, single submitter. Criteria: CeGaT Center For Human Genetics Tuebingen Variant Classification Criteria Version 2. Collection method: clinical testing. Allele origin: germline. Affected: yes. Observed: 2 variant alleles.
Comment: APAF1: BS2

PreventionGenetics, part of Exact Sciences
Classification: Likely benign for APAF1-related condition. Last evaluated: 2020-04-02. Review status: no assertion criteria provided. Collection method: clinical testing. Allele origin: germline. Not counted in ClinVar's aggregate classification.
Comment: This variant is classified as likely benign based on ACMG/AMP sequence variant interpretation guidelines (Richards et al. 2015 PMID: 25741868, with internal and published modifications).